The following is an entry in ClinVar:

ClinVar aggregate classification (germline): Uncertain significance (1 of 4 stars; one submission).

Submission:

GeneDx
Classification: Uncertain significance. Last evaluated: 2025-08-08. Review status: criteria provided, single submitter. Criteria: GeneDx Variant Classification Process June 2021. Collection method: clinical testing. Allele origin: germline. Affected: yes.
Comment: Not observed at significant frequency in large population cohorts (gnomAD); In-frame deletion of 3 amino acid(s) in a non-repeat region; In silico analysis suggests that this variant does not alter protein structure/function; Has not been previously published as pathogenic or benign to our knowledge

NM_024721.5(ZFHX4):c.10676_10684del (p.Cys3559_Thr3561del)

Gene: ZFHX4 (zinc finger homeobox 4; plus strand). Cytogenetic location: 8q21.13.
Variant type: Deletion.
Coding change: c.10676_10684del on transcript NM_024721.5 (MANE Select); coding-DNA positions 10676 to 10684, 9 bases deleted (GCAGCACCT; older notation c.10676_10684delGCAGCACCT).
Protein change: p.Cys3559_Thr3561del.
Genome position (GRCh38, 1-based): chr8:76,864,390-76,864,398, GCAGCACCT deleted; deleting any 9 consecutive bases within chr8:76,864,389-76,864,398 gives the same sequence; the c. name uses the placement nearest the transcript's 3' end. VCF-style (leftmost placement, unchanged base first): chr8-76864388-GTGCAGCACC-G. GRCh37 (hg19) VCF-style: chr8-77776624-GTGCAGCACC-G.
Other names: c.10598_10606del, p.Cys3533_Thr3535del (NM_001410934.1).
Identifiers: ClinVar variation 4755994 (VCV004755994.1).